The following is an entry in ClinVar:

ClinVar aggregate classification (germline): Uncertain significance (1 of 4 stars; one submission).

Submission:

GeneDx
Classification: Uncertain significance. Last evaluated: 2024-08-05. Review status: criteria provided, single submitter. Criteria: GeneDx Variant Classification Process June 2021. Collection method: clinical testing. Allele origin: germline.
Comment: Not observed at significant frequency in large population cohorts (gnomAD); In silico analysis supports that this missense variant has a deleterious effect on protein structure/function; Has not been previously published as pathogenic or benign to our knowledge

NM_006218.4(PIK3CA):c.2716G>T (p.Val906Leu)

Gene: PIK3CA (phosphatidylinositol-4,5-bisphosphate 3-kinase catalytic subunit alpha; plus strand). Cytogenetic location: 3q26.32.
Variant type: single nucleotide variant.
Coding change: c.2716G>T on transcript NM_006218.4 (MANE Select); coding-DNA position 2716, G replaced by T.
Protein change: p.Val906Leu; replaces valine 906 with leucine.
Molecular consequence: missense variant.
Genome position (GRCh38, 1-based): chr3:179,230,053, G>T. VCF-style: chr3-179230053-G-T. GRCh37 (hg19) VCF-style: chr3-178947841-G-T.
Other names: short protein forms V906L.
Identifiers: ClinVar variation 1804220 (VCV001804220.2), dbSNP rs2108424153, ClinGen allele CA355279590.